The following is an entry in ClinVar:

NM_014845.6(FIG4):c.2052C>T (p.Ser684=)

Gene: FIG4 (FIG4 phosphoinositide 5-phosphatase; plus strand). Cytogenetic location: 6q21.
Variant type: single nucleotide variant.
Coding change: c.2052C>T on transcript NM_014845.6 (MANE Select); coding-DNA position 2052, C replaced by T.
Protein change: p.Ser684=; no amino-acid change (serine 684 retained).
Molecular consequence: synonymous variant.
Genome position (GRCh38, 1-based): chr6:109,786,405, C>T. VCF-style: chr6-109786405-C-T. GRCh37 (hg19) VCF-style: chr6-110107608-C-T.
Other names: c.2052C>T (NM_014845.5).
Identifiers: ClinVar variation 1102314 (VCV001102314.11), dbSNP rs183958565, ClinGen allele CA3956268.

ClinVar aggregate classification (germline): Conflicting classifications of pathogenicity. Review status: criteria provided, conflicting classifications (1 of 4 stars). 3 submissions from 3 submitters: Uncertain significance (1); Likely benign (2). Last evaluated 2026-02-11.

Conditions:
Charcot-Marie-Tooth disease type 4. Also called: Charcot-Marie-Tooth disease, type IV; Charcot-Marie-Tooth, Type 4. Identifiers: Orphanet 64749, MedGen C4082197, MONDO:0018995.

Allele frequency attached by ClinVar (database versions not stated): gnomAD exomes 0.00001 and 0.00002; ExAC 0.00002; gnomAD 0.00006; 1000 Genomes Project 30x 0.00016; 1000 Genomes Project 0.00020; TOPMed 0.00024.
gnomAD v4.1: 24 of 1,613,952 alleles (0.0015%); highest among the groups gnomAD compares: Admixed American, 0.027%; no homozygotes.

Submissions (3):

GeneDx
Classification: Uncertain significance. Last evaluated: 2026-02-11. Review status: criteria provided, single submitter. Criteria: GeneDx Variant Classification Process June 2021. Collection method: clinical testing. Allele origin: germline.
Comment: Not observed at significant frequency in large population cohorts (gnomAD); Has not been previously published as pathogenic or benign to our knowledge; In silico analysis suggests this variant may impact gene splicing. In the absence of RNA/functional studies, the actual effect of this sequence change is unknown.

Labcorp Genetics (formerly Invitae), Labcorp
Classification: Likely benign for Charcot-Marie-Tooth disease type 4. Last evaluated: 2025-08-29. Review status: criteria provided, single submitter. Criteria: Invitae Variant Classification Sherloc (09022015). Collection method: clinical testing. Allele origin: germline.

Women's Health and Genetics/Laboratory Corporation of America, LabCorp
Classification: Likely benign. Last evaluated: 2025-06-16. Review status: criteria provided, single submitter. Criteria: LabCorp Variant Classification Summary - May 2015. Collection method: clinical testing. Allele origin: germline.